The following is an entry in ClinVar:

ClinVar aggregate classification (germline): Pathogenic. Review status: criteria provided, multiple submitters, no conflicts (2 of 4 stars). 2 submissions from 2 submitters: Pathogenic (2). Last evaluated 2024-10-07.

Conditions:
Primary ciliary dyskinesia. Also called: Ciliary dyskinesia. Identifiers: Orphanet 244, MedGen C0008780, MONDO:0016575, HP:0012265.
Primary ciliary dyskinesia 7. Also called: CILIARY DYSKINESIA, PRIMARY, 7, WITH OR WITHOUT SITUS INVERSUS. Identifiers: Orphanet 244, MedGen C2678473, MONDO:0012748, OMIM 611884.

Allele frequency attached by ClinVar (database versions not stated): gnomAD exomes below 0.00001 and 0.00001; TOPMed below 0.00001.

Submissions (2):

Victorian Clinical Genetics Services, Murdoch Childrens Research Institute
Classification: Pathogenic for Primary ciliary dyskinesia 7. Last evaluated: 2024-10-07. Review status: criteria provided, single submitter. Criteria: ACMG Guidelines, 2015. Collection method: clinical testing. Allele origin: germline. Affected: yes.
Comment: This variant is classified as Pathogenic. Evidence in support of pathogenic classification: Variant is predicted to result in a truncated protein (premature termination codon is NOT located at least 54 nucleotides upstream of the final exon-exon junction) with less than 1/3 of the protein sequence affected; Variant is present in gnomAD <0.01 for a recessive condition (v4: 11 heterozygote(s), 0 homozygote(s)); This variant has limited previous evidence of pathogenicity in an unrelated individual(s). This variant has been classified as pathogenic by a clinical laboratory in ClinVar; Other protein truncating variant(s) comparable to the one identified in this case have very strong previous evidence for pathogenicity (DECIPHER). Additional information: This variant is heterozygous; This gene is associated with autosomal recessive disease; No published segregation evidence has been identified for this variant; No published functional evidence has been identified for this variant; Variant truncates the annotated dynein heavy chain C-terminal domain (DECIPHER); Loss of function is a known mechanism of disease in this gene and is associated with primary ciliary dyskinesia 7, with or without situs inversus (MIM#611884); Inheritance information for this variant is not currently available in this individual.

Labcorp Genetics (formerly Invitae), Labcorp
Classification: Pathogenic for Primary ciliary dyskinesia. Last evaluated: 2024-01-18. Review status: criteria provided, single submitter. Criteria: Invitae Variant Classification Sherloc (09022015). Collection method: clinical testing. Allele origin: germline.
Comment: This sequence change creates a premature translational stop signal (p.Glu4416Ilefs*69) in the DNAH11 gene. While this is not anticipated to result in nonsense mediated decay, it is expected to disrupt the last 101 amino acid(s) of the DNAH11 protein. This variant is present in population databases (no rsID available, gnomAD no frequency). This variant has not been reported in the literature in individuals affected with DNAH11-related conditions. ClinVar contains an entry for this variant (Variation ID: 1453708). This variant disrupts a region of the DNAH11 protein in which other variant(s) (p.Val4467Argfs*16) have been determined to be pathogenic (Invitae). This suggests that this is a clinically significant region of the protein, and that variants that disrupt it are likely to be disease-causing. For these reasons, this variant has been classified as Pathogenic.

NM_001277115.2(DNAH11):c.13242_13245del (p.Glu4416fs)

Gene: DNAH11 (dynein axonemal heavy chain 11; plus strand). Cytogenetic location: 7p15.3.
Variant type: Deletion.
Coding change: c.13242_13245del on transcript NM_001277115.2 (MANE Select); coding-DNA positions 13242 to 13245, 4 bases deleted (AAAG; older notation c.13242_13245delAAAG).
Protein change: p.Glu4416fs; shifts the reading frame from glutamic acid 4416.
Molecular consequence: frameshift variant.
Genome position (GRCh38, 1-based): chr7:21,900,059-21,900,062, AAAG deleted. VCF-style (leftmost placement, unchanged base first): chr7-21900058-CAAAG-C. GRCh37 (hg19) VCF-style: chr7-21939676-CAAAG-C.
Other names: short protein forms E4416fs.
Identifiers: ClinVar variation 1453708 (VCV001453708.10), dbSNP rs1278777268, ClinGen allele CA572924499.
Genomic context (GRCh38, chr7:21,900,058, plus strand): 5'-CTCGAAAAAATGAGTGGCCCCTGGATAAAACGCGCTTGACTGCTGATGTTACCAAAAAAA[CAAAG>C]GAAGATTATGGACACCCGCCAAGGGAAGGTGCATACCTCCACGGACTCTTCATGGAGGGT-3'